The following is an entry in ClinVar:

ClinVar aggregate classification (germline): Uncertain significance (1 of 4 stars; one submission).

Allele frequency attached by ClinVar (database versions not stated): gnomAD 0.00001; gnomAD exomes 0.00001; ExAC 0.00002.
gnomAD v4.1: 13 of 1,613,984 alleles (0.00081%); highest among the groups gnomAD compares: East Asian, 0.0022%; no homozygotes.

Submission:

Labcorp Genetics (formerly Invitae), Labcorp
Classification: Uncertain significance. Last evaluated: 2022-08-22. Review status: criteria provided, single submitter. Criteria: Invitae Variant Classification Sherloc (09022015). Collection method: clinical testing. Allele origin: germline.
Comment: This sequence change replaces asparagine, which is neutral and polar, with serine, which is neutral and polar, at codon 462 of the SLC2A9 protein (p.Asn462Ser). This variant is present in population databases (rs748271861, gnomAD 0.0009%). This variant has not been reported in the literature in individuals affected with SLC2A9-related conditions. Algorithms developed to predict the effect of missense changes on protein structure and function output the following: SIFT: "Tolerated"; PolyPhen-2: "Probably Damaging"; Align-GVGD: "Class C0". The serine amino acid residue is found in multiple mammalian species, which suggests that this missense change does not adversely affect protein function. In summary, the available evidence is currently insufficient to determine the role of this variant in disease. Therefore, it has been classified as a Variant of Uncertain Significance.

NM_020041.3(SLC2A9):c.1385A>G (p.Asn462Ser)

Gene: SLC2A9 (solute carrier family 2 member 9; minus strand). Cytogenetic location: 4p16.1.
Variant type: single nucleotide variant.
Coding change: c.1385A>G on transcript NM_020041.3 (MANE Select); coding-DNA position 1385, A replaced by G.
Protein change: p.Asn462Ser; replaces asparagine 462 with serine.
Molecular consequence: missense variant.
Genome position (GRCh38, 1-based): chr4:9,834,915, T>C on the plus strand (A>G on the coding strand, the complement: SLC2A9 is on the minus strand). VCF-style: chr4-9834915-T-C. GRCh37 (hg19) VCF-style: chr4-9836539-T-C.
Other names: c.1298A>G, p.Asn433Ser (NM_001001290.2); short protein forms N433S, N462S.
Identifiers: ClinVar variation 1917981 (VCV001917981.2), dbSNP rs748271861, ClinGen allele CA2856876.
Genomic context (GRCh38, chr4:9,834,915, plus strand): 5'-GGCAAAAGACTCCTTGTCAGTCATACCTGAATGAATGGGAAGAGGAGCCCAACAGCAAAG[T>C]TGGAGAGCCAGTTGACGGTGCCTGCAATGATGAAGGCAGCCGGCCGCTGAGATTGCTGGA-3'
Protein context (NP_064425.2, residues 452-472): IIAGTVNWLS[Asn462Ser]FAVGLLFPFI